The following is an entry in ClinVar:

ClinVar aggregate classification (germline): Uncertain significance (1 of 4 stars; one submission).

Allele frequency attached by ClinVar (database versions not stated): gnomAD exomes below 0.00001 and 0.00001; ExAC 0.00001; TOPMed 0.00002; gnomAD 0.00003.

Submission:

Labcorp Genetics (formerly Invitae), Labcorp
Classification: Uncertain significance. Last evaluated: 2021-02-20. Review status: criteria provided, single submitter. Criteria: Invitae Variant Classification Sherloc (09022015). Collection method: clinical testing. Allele origin: germline.
Comment: This variant is present in population databases (rs746437072, ExAC 0.002%). This sequence change replaces glycine with arginine at codon 205 of the PCLO protein (p.Gly205Arg). The glycine residue is moderately conserved and there is a moderate physicochemical difference between glycine and arginine. This variant has not been reported in the literature in individuals with PCLO-related conditions. In summary, the available evidence is currently insufficient to determine the role of this variant in disease. Therefore, it has been classified as a Variant of Uncertain Significance. Algorithms developed to predict the effect of missense changes on protein structure and function are either unavailable or do not agree on the potential impact of this missense change (SIFT: "Tolerated"; PolyPhen-2: "Not Available"; Align-GVGD: "Class C0").

NM_033026.6(PCLO):c.613G>A (p.Gly205Arg)

Gene: PCLO (piccolo presynaptic cytomatrix protein; minus strand). Cytogenetic location: 7q21.11.
Variant type: single nucleotide variant.
Coding change: c.613G>A on transcript NM_033026.6 (MANE Select); coding-DNA position 613, G replaced by A.
Protein change: p.Gly205Arg; replaces glycine 205 with arginine.
Molecular consequence: missense variant.
Genome position (GRCh38, 1-based): chr7:83,156,028, C>T on the plus strand (G>A on the coding strand, the complement: PCLO is on the minus strand). VCF-style: chr7-83156028-C-T. GRCh37 (hg19) VCF-style: chr7-82785344-C-T.
Other names: c.613G>A, p.Gly205Arg (NM_014510.3); short protein forms G205R.
Identifiers: ClinVar variation 1493042 (VCV001493042.8), dbSNP rs746437072, ClinGen allele CA4321635.